The following is an entry in ClinVar:

NM_000435.3(NOTCH3):c.1646G>C (p.Cys549Ser)

Gene: NOTCH3 (notch receptor 3; minus strand). Cytogenetic location: 19p13.12.
Variant type: single nucleotide variant.
Coding change: c.1646G>C on transcript NM_000435.3 (MANE Select); coding-DNA position 1646, G replaced by C.
Protein change: p.Cys549Ser; replaces cysteine 549 with serine.
Molecular consequence: missense variant.
Genome position (GRCh38, 1-based): chr19:15,187,299, C>G on the plus strand (G>C on the coding strand, the complement: NOTCH3 is on the minus strand). VCF-style: chr19-15187299-C-G. GRCh37 (hg19) VCF-style: chr19-15298110-C-G.
Other names: short protein forms C549S.
Identifiers: ClinVar variation 1807383 (VCV001807383.1), dbSNP rs1555728814, ClinGen allele CA404526029.

ClinVar aggregate classification (germline): Pathogenic (1 of 4 stars; one submission).

Submission:

Athena Diagnostics
Classification: Pathogenic. Last evaluated: 2022-01-25. Review status: criteria provided, single submitter. Criteria: Athena Diagnostics Criteria. Collection method: clinical testing. Allele origin: unknown.
Comment: This variant has not been reported in large, multi-ethnic general populations. This variant has been identified in at least one individual with clinical features associated with this gene. At least one other missense variant at this codon is considered to be pathogenic or likely pathogenic, suggesting this variant may also cause disease. This variant alters a critical location within the protein, and is expected to severely affect function and cause disease. Greater than 90% of pathogenic variants identified in NOTCH3 involve the gain or loss of a cysteine residue within the epidermal growth factor (EGF)-like repeat domain.

Literature cited by the submitters: PubMed 28710804.